The following is an entry in ClinVar:

NM_001792.5(CDH2):c.1262G>T (p.Arg421Ile)

Gene: CDH2 (cadherin 2; minus strand). Cytogenetic location: 18q12.1.
Variant type: single nucleotide variant.
Coding change: c.1262G>T on transcript NM_001792.5 (MANE Select); coding-DNA position 1262, G replaced by T.
Protein change: p.Arg421Ile; replaces arginine 421 with isoleucine.
Molecular consequence: missense variant.
Genome position (GRCh38, 1-based): chr18:27,992,737, C>A on the plus strand (G>T on the coding strand, the complement: CDH2 is on the minus strand). VCF-style: chr18-27992737-C-A. GRCh37 (hg19) VCF-style: chr18-25572701-C-A.
Other names: c.1169G>T, p.Arg390Ile (NM_001308176.2); short protein forms R421I, R390I.
Identifiers: ClinVar variation 4608925 (VCV004608925.1).
Genomic context (GRCh38, chr18:27,992,737, plus strand): 5'-TCGTTGCTGTTTGGGTCGGTCTGGATGGCGAACCGTCCAGTAGGATCTCCGCCACTGATT[C>A]TGTACACTGCGTTCCAGGCTGGTGTATGGGGTTGATCCTTATCGGTCACAGTTAGATTAG-3'
Protein context (NP_001783.2, residues 411-431): PHTPAWNAVY[Arg421Ile]ISGGDPTGRF

ClinVar aggregate classification (germline): Uncertain significance (1 of 4 stars; one submission).

Conditions:
Inborn genetic diseases. Identifiers: MedGen C0950123, MeSH D030342.

Submission:

Ambry Genetics
Classification: Uncertain significance for Inborn genetic diseases. Last evaluated: 2025-12-02. Review status: criteria provided, single submitter. Criteria: Ambry Variant Classification Scheme 2023. Collection method: clinical testing. Allele origin: germline.
Comment: The p.R421I variant (also known as c.1262G>T), located in coding exon 9 of the CDH2 gene, results from a G to T substitution at nucleotide position 1262. The arginine at codon 421 is replaced by isoleucine, an amino acid with similar properties. This amino acid position is conserved. In addition, the in silico prediction for this alteration is inconclusive. Based on the available evidence, the clinical significance of this variant remains unclear.